The following is an entry in ClinVar:

NM_002661.5(PLCG2):c.1213A>G (p.Ile405Val)

Gene: PLCG2 (phospholipase C gamma 2; plus strand). Cytogenetic location: 16q23.3.
Variant type: single nucleotide variant.
Coding change: c.1213A>G on transcript NM_002661.5 (MANE Select); coding-DNA position 1213, A replaced by G.
Protein change: p.Ile405Val; replaces isoleucine 405 with valine.
Molecular consequence: missense variant.
Genome position (GRCh38, 1-based): chr16:81,900,631, A>G. VCF-style: chr16-81900631-A-G. GRCh37 (hg19) VCF-style: chr16-81934236-A-G.
Other names: short protein forms I405V.
Identifiers: ClinVar variation 1718394 (VCV001718394.5), dbSNP rs1909109150, ClinGen allele CA396899226.
Genomic context (GRCh38, chr16:81,900,631, plus strand): 5'-GTGCTCCCCCTGCCGAGCTGCCCACCCTCTTCTGCCTGCAGCTTCCCAGTGATCCTGTCC[A>G]TCGAGGAGCACTGCAGCGTGGAGCAACAGCGTCACATGGCCAAGGCCTTCAAGGAAGTAT-3'
Protein context (NP_002652.2, residues 395-415): VTSSFPVILS[Ile405Val]EEHCSVEQQR

ClinVar aggregate classification (germline): Uncertain significance (1 of 4 stars; one submission).

Conditions:
Familial cold autoinflammatory syndrome 3 (FCAS3). Also called: FAMILIAL ATYPICAL COLD URTICARIA; ANTIBODY DEFICIENCY AND IMMUNE DYSREGULATION, PLCG2-ASSOCIATED. Identifiers: Orphanet 300359, MedGen C3280914, MONDO:0013766, OMIM 614468.

Submission:

Labcorp Genetics (formerly Invitae), Labcorp
Classification: Uncertain significance for Familial cold autoinflammatory syndrome 3. Last evaluated: 2024-02-14. Review status: criteria provided, single submitter. Criteria: Invitae Variant Classification Sherloc (09022015). Collection method: clinical testing. Allele origin: germline.
Comment: This sequence change replaces isoleucine, which is neutral and non-polar, with valine, which is neutral and non-polar, at codon 405 of the PLCG2 protein (p.Ile405Val). This variant is not present in population databases (gnomAD no frequency). This variant has not been reported in the literature in individuals affected with PLCG2-related conditions. ClinVar contains an entry for this variant (Variation ID: 1718394). An algorithm developed to predict the effect of missense changes on protein structure and function (PolyPhen-2) suggests that this variant is likely to be disruptive. In summary, the available evidence is currently insufficient to determine the role of this variant in disease. Therefore, it has been classified as a Variant of Uncertain Significance.